The following is an entry in ClinVar:

NM_016617.4(UFM1):c.180A>C (p.Ala60=)

Gene: UFM1 (ubiquitin fold modifier 1; plus strand). Cytogenetic location: 13q13.3.
Variant type: single nucleotide variant.
Coding change: c.180A>C on transcript NM_016617.4 (MANE Select); coding-DNA position 180, A replaced by C.
Protein change: p.Ala60=; no amino-acid change (alanine 60 retained).
Molecular consequence: synonymous variant. On other transcripts: non-coding transcript variant (2).
Genome position (GRCh38, 1-based): chr13:38,359,323, A>C. VCF-style: chr13-38359323-A-C. GRCh37 (hg19) VCF-style: chr13-38933460-A-C.
Other names: c.174A>C, p.Ala58= (NM_001286703.2); c.234A>C, p.Ala78= (NM_001286704.2); c.180A>C, p.Ala60= (NM_001286705.2, NM_001286706.2); c.234A>C (NM_001286704.1).
Identifiers: ClinVar variation 2193919 (VCV002193919.6), dbSNP rs138603142, ClinGen allele CA6954049.

ClinVar aggregate classification (germline): Likely benign. Review status: criteria provided, single submitter (1 of 4 stars). 2 submissions from 2 submitters: Likely benign (1). 1 of the submissions does not count toward it. Last evaluated 2025-10-27.

Conditions:
UFM1-related disorder. Also called: UFM1-related condition.

Allele frequency attached by ClinVar (database versions not stated): gnomAD exomes 0.00004; ExAC 0.00007; 1000 Genomes Project 30x 0.00016; gnomAD 0.00019; 1000 Genomes Project 0.00020; TOPMed 0.00025; ESP Exome Variant Server 0.00038.
gnomAD v4.1: 87 of 1,611,734 alleles (0.0054%); highest among the groups gnomAD compares: Middle Eastern, 0.1%; no homozygotes.

Submissions (2):

Labcorp Genetics (formerly Invitae), Labcorp
Classification: Likely benign. Last evaluated: 2025-10-27. Review status: criteria provided, single submitter. Criteria: Invitae Variant Classification Sherloc (09022015). Collection method: clinical testing. Allele origin: germline.

PreventionGenetics, part of Exact Sciences
Classification: Likely benign for UFM1-related condition. Last evaluated: 2019-05-21. Review status: no assertion criteria provided. Collection method: clinical testing. Allele origin: germline. Not counted in ClinVar's aggregate classification.
Comment: This variant is classified as likely benign based on ACMG/AMP sequence variant interpretation guidelines (Richards et al. 2015 PMID: 25741868, with internal and published modifications).